The following is an entry in ClinVar:

ClinVar aggregate classification (germline): Uncertain significance (1 of 4 stars; one submission).

gnomAD v4.1: 8 of 1,613,784 alleles (0.0005%); highest among the groups gnomAD compares: Non-Finnish European, 0.00059%; no homozygotes.

Submission:

Ambry Genetics
Classification: Uncertain significance. Last evaluated: 2025-04-10. Review status: criteria provided, single submitter. Criteria: Ambry Variant Classification Scheme 2023. Collection method: clinical testing. Allele origin: germline.
Comment: The p.T133R variant (also known as c.398C>G), located in coding exon 3 of the CTNNA3 gene, results from a C to G substitution at nucleotide position 398. The threonine at codon 133 is replaced by arginine, an amino acid with similar properties. This amino acid position is conserved. In addition, the in silico prediction for this alteration is inconclusive. Based on the available evidence, the clinical significance of this variant remains unclear.

NM_013266.4(CTNNA3):c.398C>G (p.Thr133Arg)

Gene: CTNNA3 (catenin alpha 3; minus strand). Cytogenetic location: 10q21.3.
Variant type: single nucleotide variant.
Coding change: c.398C>G on transcript NM_013266.4 (MANE Select); coding-DNA position 398, C replaced by G.
Protein change: p.Thr133Arg; replaces threonine 133 with arginine.
Molecular consequence: missense variant.
Genome position (GRCh38, 1-based): chr10:67,539,564, G>C on the plus strand (C>G on the coding strand, the complement: CTNNA3 is on the minus strand). VCF-style: chr10-67539564-G-C. GRCh37 (hg19) VCF-style: chr10-69299322-G-C.
Other names: c.398C>G, p.Thr133Arg (NM_001127384.3); c.434C>G, p.Thr145Arg (NM_001291133.2); short protein forms T145R, T133R.
Identifiers: ClinVar variation 4008019 (VCV004008019.1).